The following is an entry in ClinVar:

NM_005068.3(SIM1):c.284T>C (p.Val95Ala)

Gene: SIM1 (SIM bHLH transcription factor 1; minus strand). Cytogenetic location: 6q16.3.
Variant type: single nucleotide variant.
Coding change: c.284T>C on transcript NM_005068.3 (MANE Select); coding-DNA position 284, T replaced by C.
Protein change: p.Val95Ala; replaces valine 95 with alanine.
Molecular consequence: missense variant.
Genome position (GRCh38, 1-based): chr6:100,450,331, A>G on the plus strand (T>C on the coding strand, the complement: SIM1 is on the minus strand). VCF-style: chr6-100450331-A-G. GRCh37 (hg19) VCF-style: chr6-100898207-A-G.
Other names: c.284T>C, p.Val95Ala (NM_001374769.1); short protein forms V95A.
Identifiers: ClinVar variation 1388255 (VCV001388255.6), dbSNP rs2114543384, ClinGen allele CA365128443.

ClinVar aggregate classification (germline): Uncertain significance (1 of 4 stars; one submission).

Submission:

Labcorp Genetics (formerly Invitae), Labcorp
Classification: Uncertain significance. Last evaluated: 2021-10-20. Review status: criteria provided, single submitter. Criteria: Invitae Variant Classification Sherloc (09022015). Collection method: clinical testing. Allele origin: germline.
Comment: In summary, the available evidence is currently insufficient to determine the role of this variant in disease. Therefore, it has been classified as a Variant of Uncertain Significance. Algorithms developed to predict the effect of missense changes on protein structure and function (SIFT, PolyPhen-2, Align-GVGD) all suggest that this variant is likely to be disruptive. This variant has not been reported in the literature in individuals affected with SIM1-related conditions. This variant is not present in population databases (ExAC no frequency). This sequence change replaces valine with alanine at codon 95 of the SIM1 protein (p.Val95Ala). The valine residue is highly conserved and there is a small physicochemical difference between valine and alanine.